The following is an entry in ClinVar:

ClinVar aggregate classification (germline): Uncertain significance. Review status: criteria provided, multiple submitters, no conflicts (2 of 4 stars). 4 submissions from 4 submitters: Uncertain significance (4). Last evaluated 2024-11-24.

Conditions:
Autosomal recessive limb-girdle muscular dystrophy type 2K. Also called: MUSCULAR DYSTROPHY-DYSTROGLYCANOPATHY (LIMB-GIRDLE), TYPE C, 1; MUSCULAR DYSTROPHY, LIMB-GIRDLE, TYPE 2K. Identifiers: Orphanet 86812, MedGen C1836373, MONDO:0012248, OMIM 609308.
Muscular dystrophy-dystroglycanopathy (congenital with impaired intellectual development), type B, 1. Also called: Muscular dystrophy-dystroglycanopathy (congenital with intellectual disability), type B1; MUSCULAR DYSTROPHY, CONGENITAL, POMT1-RELATED. Identifiers: MedGen C5436962, MONDO:0013159, OMIM 613155.
Walker-Warburg congenital muscular dystrophy. Also called: Muscular dystrophy-dystroglycanopathy, type A; Walker-Warburg syndrome. Identifiers: Orphanet 899, MedGen C0265221, MONDO:0000171.
Inborn genetic diseases. Identifiers: MedGen C0950123, MeSH D030342.

Allele frequency attached by ClinVar (database versions not stated): gnomAD exomes below 0.00001 and 0.00001; gnomAD 0.00005; ESP Exome Variant Server 0.00015; ExAC 0.00002; TOPMed 0.00004.
gnomAD v4.1: 9 of 1,613,744 alleles (0.00056%); highest among the groups gnomAD compares: African/African-American, 0.011%; no homozygotes.

Submissions (4):

Ambry Genetics
Classification: Uncertain significance for Inborn genetic diseases. Last evaluated: 2024-11-24. Review status: criteria provided, single submitter. Criteria: Ambry Variant Classification Scheme 2023. Collection method: clinical testing. Allele origin: germline.

GeneDx
Classification: Uncertain significance. Last evaluated: 2024-06-23. Review status: criteria provided, single submitter. Criteria: GeneDx Variant Classification Process June 2021. Collection method: clinical testing. Allele origin: germline. Affected: yes.
Comment: In silico analysis indicates that this missense variant does not alter protein structure/function; Has not been previously published as pathogenic or benign to our knowledge

Labcorp Genetics (formerly Invitae), Labcorp
Classification: Uncertain significance for Muscular dystrophy-dystroglycanopathy (congenital with impaired intellectual development), type B, 1; Walker-Warburg congenital muscular dystrophy; Autosomal recessive limb-girdle muscular dystrophy type 2K. Last evaluated: 2022-03-24. Review status: criteria provided, single submitter. Criteria: Invitae Variant Classification Sherloc (09022015). Collection method: clinical testing. Allele origin: germline.
Comment: This sequence change replaces glutamine, which is neutral and polar, with arginine, which is basic and polar, at codon 630 of the POMT1 protein (p.Gln630Arg). The frequency data for this variant in the population databases is considered unreliable, as metrics indicate poor data quality at this position in the gnomAD database. This variant has not been reported in the literature in individuals affected with POMT1-related conditions. ClinVar contains an entry for this variant (Variation ID: 471379). Algorithms developed to predict the effect of missense changes on protein structure and function are either unavailable or do not agree on the potential impact of this missense change (SIFT: "Deleterious"; PolyPhen-2: "Benign"; Align-GVGD: "Class C0"). Algorithms developed to predict the effect of sequence changes on RNA splicing suggest that this variant may disrupt the consensus splice site. In summary, the available evidence is currently insufficient to determine the role of this variant in disease. Therefore, it has been classified as a Variant of Uncertain Significance.

Blueprint Genetics
Classification: Uncertain significance. Last evaluated: 2019-08-19. Review status: criteria provided, single submitter. Criteria: ACMG Guidelines, 2015. Collection method: clinical testing. Allele origin: germline.

NM_001077365.2(POMT1):c.1823A>G (p.Gln608Arg)

Gene: POMT1 (protein O-mannosyltransferase 1; plus strand). Cytogenetic location: 9q34.13.
Variant type: single nucleotide variant.
Coding change: c.1823A>G on transcript NM_001077365.2 (MANE Select); coding-DNA position 1823, A replaced by G.
Protein change: p.Gln608Arg; replaces glutamine 608 with arginine.
Molecular consequence: missense variant. On other transcripts: non-coding transcript variant (10).
Genome position (GRCh38, 1-based): chr9:131,521,470, A>G. VCF-style: chr9-131521470-A-G. GRCh37 (hg19) VCF-style: chr9-134396857-A-G.
Other names: c.1661A>G, p.Gln554Arg (NM_001077366.2, NM_001353194.2); c.1823A>G, p.Gln608Arg (NM_001136113.2); c.1472A>G, p.Gln491Arg (NM_001136114.2, NM_001353195.2, NM_001374691.1 and 2 more transcripts); c.1889A>G, p.Gln630Arg (NM_001353193.2, NM_007171.4); c.1733A>G, p.Gln578Arg (NM_001353196.2); c.1727A>G, p.Gln576Arg (NM_001353197.2, NM_001353198.2); c.1538A>G, p.Gln513Arg (NM_001353199.2); c.1367A>G, p.Gln456Arg (NM_001353200.2); and 3 more; short protein forms Q630R, Q554R, Q576R, Q456R, Q491R, Q608R, Q513R, Q578R.
Identifiers: ClinVar variation 471379 (VCV000471379.7), dbSNP rs145021255, ClinGen allele CA5293835.